The following is an entry in ClinVar:

NM_207361.6(FREM2):c.3341A>G (p.Tyr1114Cys)

Gene: FREM2 (FRAS1 related extracellular matrix 2; plus strand). Cytogenetic location: 13q13.3.
Variant type: single nucleotide variant.
Coding change: c.3341A>G on transcript NM_207361.6 (MANE Select); coding-DNA position 3341, A replaced by G.
Protein change: p.Tyr1114Cys; replaces tyrosine 1114 with cysteine.
Molecular consequence: missense variant.
Genome position (GRCh38, 1-based): chr13:38,690,685, A>G. VCF-style: chr13-38690685-A-G. GRCh37 (hg19) VCF-style: chr13-39264822-A-G.
Other names: short protein forms Y1114C.
Identifiers: ClinVar variation 2959676 (VCV002959676.3), dbSNP rs1401029693, ClinGen allele CA387890750.
Genomic context (GRCh38, chr13:38,690,685, plus strand): 5'-ATGTCGACTCCCTGAATGATGACATCTTGTGCACTATAGTTATTCAGCCTACTTCAGGTT[A>G]TGTTGAAAACATTTCTCCAGCACCAGGCTCTGAGAAATCAAGAGCAGGGATTGCCATAAG-3'
Protein context (NP_997244.4, residues 1104-1124): CTIVIQPTSG[Tyr1114Cys]VENISPAPGS

ClinVar aggregate classification (germline): Uncertain significance (1 of 4 stars; one submission).

Allele frequency attached by ClinVar (database versions not stated): gnomAD exomes below 0.00001; gnomAD 0.00001; TOPMed 0.00001.
gnomAD v4.1: 2 of 1,613,922 alleles (0.00012%); highest among the groups gnomAD compares: Non-Finnish European, 0.00017%; no homozygotes.

Submission:

Labcorp Genetics (formerly Invitae), Labcorp
Classification: Uncertain significance. Last evaluated: 2023-10-22. Review status: criteria provided, single submitter. Criteria: Invitae Variant Classification Sherloc (09022015). Collection method: clinical testing. Allele origin: germline.
Comment: This sequence change replaces tyrosine, which is neutral and polar, with cysteine, which is neutral and slightly polar, at codon 1114 of the FREM2 protein (p.Tyr1114Cys). This variant is present in population databases (no rsID available, gnomAD 0.007%). This variant has not been reported in the literature in individuals affected with FREM2-related conditions. An algorithm developed to predict the effect of missense changes on protein structure and function (PolyPhen-2) suggests that this variant is likely to be disruptive. In summary, the available evidence is currently insufficient to determine the role of this variant in disease. Therefore, it has been classified as a Variant of Uncertain Significance.